The following is an entry in ClinVar:

NM_000540.3(RYR1):c.7585G>A (p.Asp2529Asn)

Gene: RYR1 (ryanodine receptor 1; plus strand). Cytogenetic location: 19q13.2.
Variant type: single nucleotide variant.
Coding change: c.7585G>A on transcript NM_000540.3 (MANE Select); coding-DNA position 7585, G replaced by A.
Protein change: p.Asp2529Asn; replaces aspartic acid 2529 with asparagine.
Molecular consequence: missense variant.
Genome position (GRCh38, 1-based): chr19:38,500,961, G>A. VCF-style: chr19-38500961-G-A. GRCh37 (hg19) VCF-style: chr19-38991601-G-A.
Other names: c.7585G>A, p.Asp2529Asn (NM_001042723.2); short protein forms D2529N.
Identifiers: ClinVar variation 1409741 (VCV001409741.8), dbSNP rs773050889, ClinGen allele CA069782.

ClinVar aggregate classification (germline): Uncertain significance. Review status: criteria provided, multiple submitters, no conflicts (2 of 4 stars). 3 submissions from 3 submitters: Uncertain significance (3). Last evaluated 2024-10-23.

Conditions:
RYR1-related disorder. Also called: RYR1-related condition; RYR1-related disorders. Identifiers: MedGen CN239331.

Allele frequency attached by ClinVar (database versions not stated): gnomAD exomes below 0.00001; ExAC 0.00001.
gnomAD v4.1: 17 of 1,613,052 alleles (0.0011%); highest among the groups gnomAD compares: Non-Finnish European, 0.0014%; no homozygotes.

Submissions (3):

Blueprint Genetics
Classification: Uncertain significance. Last evaluated: 2024-10-23. Review status: criteria provided, single submitter. Criteria: ACMG Guidelines, 2015. Collection method: clinical testing. Allele origin: germline.

Revvity Omics, Revvity
Classification: Uncertain significance. Last evaluated: 2024-03-08. Review status: criteria provided, single submitter. Criteria: ACMG Guidelines, 2015. Collection method: clinical testing. Allele origin: germline.

Labcorp Genetics (formerly Invitae), Labcorp
Classification: Uncertain significance for RYR1-related disorder. Last evaluated: 2023-08-04. Review status: criteria provided, single submitter. Criteria: Invitae Variant Classification Sherloc (09022015). Collection method: clinical testing. Allele origin: germline.
Comment: This sequence change replaces aspartic acid, which is acidic and polar, with asparagine, which is neutral and polar, at codon 2529 of the RYR1 protein (p.Asp2529Asn). The frequency data for this variant in the population databases is considered unreliable, as metrics indicate poor data quality at this position in the gnomAD database. In summary, the available evidence is currently insufficient to determine the role of this variant in disease. Therefore, it has been classified as a Variant of Uncertain Significance. Advanced modeling of protein sequence and biophysical properties (such as structural, functional, and spatial information, amino acid conservation, physicochemical variation, residue mobility, and thermodynamic stability) performed at Invitae indicates that this missense variant is expected to disrupt RYR1 protein function. ClinVar contains an entry for this variant (Variation ID: 1409741). This missense change has been observed in individual(s) with autosomal recessive centronuclear myopathy or nemaline myopathy (PMID: 22407809, 31856875).

Literature cited by the submitters: PubMed 22407809 (cited by Labcorp Genetics (formerly Invitae), Labcorp); PubMed 31856875 (cited by Labcorp Genetics (formerly Invitae), Labcorp).